The following is an entry in ClinVar:

NM_001135146.2(SLC39A8):c.1166A>G (p.Asn389Ser)

Genes: SLC39A8 (solute carrier family 39 member 8; minus strand), LOC126807125 (MED14-independent group 3 enhancer GRCh37_chr4:103188587-103189786; plus strand). Cytogenetic location: 4q24.
Variant type: single nucleotide variant.
Coding change: c.1166A>G on transcript NM_001135146.2 (MANE Select); coding-DNA position 1166, A replaced by G.
Protein change: p.Asn389Ser; replaces asparagine 389 with serine.
Molecular consequence: missense variant.
Genome position (GRCh38, 1-based): chr4:102,267,557, T>C on the plus strand (A>G on the coding strand, the complement: SLC39A8 is on the minus strand). VCF-style: chr4-102267557-T-C. GRCh37 (hg19) VCF-style: chr4-103188714-T-C.
Other names: c.1166A>G, p.Asn389Ser (NM_001135147.1, NM_022154.5); c.965A>G, p.Asn322Ser (NM_001135148.2); short protein forms N389S, N322S.
Identifiers: ClinVar variation 424603 (VCV000424603.12), dbSNP rs146759817, ClinGen allele CA3025499.
Genomic context (GRCh38, chr4:102,267,557, plus strand): 5'-GCCAGAGAAATATAGAGGAACATGCCTCCAGCAAGTGCAAATATAATATTTGGAGCGAAA[T>C]TGTTGCCCACCAAAATGCCAAAAGCTAGCCCAACATAGCAGGAACATGCAGAAAGGAAGT-3'
Protein context (NP_001128618.1, residues 379-399): GLAFGILVGN[Asn389Ser]FAPNIIFALA

ClinVar aggregate classification (germline): Uncertain significance. Review status: criteria provided, multiple submitters, no conflicts (2 of 4 stars). 6 submissions from 6 submitters: Uncertain significance (5). 1 of the submissions does not count toward it. Last evaluated 2025-12-18.

Conditions:
SLC39A8-related disorder. Also called: SLC39A8-related condition.
Inborn genetic diseases. Identifiers: MedGen C0950123, MeSH D030342.
SLC39A8-CDG. Also called: CONGENITAL DISORDER OF GLYCOSYLATION, TYPE IIn; CDG IIn; SLC39A8 deficiency. Identifiers: Orphanet 468699, MedGen C4225234, MONDO:0014746, OMIM 616721.

Allele frequency attached by ClinVar (database versions not stated): gnomAD 0.00030 and 0.00032; gnomAD exomes 0.00033 and 0.00037; TOPMed 0.00031; ExAC 0.00039; ESP Exome Variant Server 0.00062.
gnomAD v4.1: 521 of 1,613,920 alleles (0.032%); highest among the groups gnomAD compares: Middle Eastern, 0.099%; no homozygotes.

Submissions (6):

GeneDx
Classification: Uncertain significance. Last evaluated: 2025-12-18. Review status: criteria provided, single submitter. Criteria: GeneDx Variant Classification Process June 2021. Collection method: clinical testing. Allele origin: germline. Affected: yes.
Comment: In silico analysis suggests that this missense variant does not alter protein structure/function; This variant is associated with the following publications: (PMID: 38041506)

Labcorp Genetics (formerly Invitae), Labcorp
Classification: Uncertain significance. Last evaluated: 2024-12-16. Review status: criteria provided, single submitter. Criteria: Invitae Variant Classification Sherloc (09022015). Collection method: clinical testing. Allele origin: germline.
Comment: This sequence change replaces asparagine, which is neutral and polar, with serine, which is neutral and polar, at codon 389 of the SLC39A8 protein (p.Asn389Ser). This variant is present in population databases (rs146759817, gnomAD 0.06%). This missense change has been observed in individual(s) with clinical features of SLC39A8-related conditions (PMID: 38041506). ClinVar contains an entry for this variant (Variation ID: 424603). Invitae Evidence Modeling of protein sequence and biophysical properties (such as structural, functional, and spatial information, amino acid conservation, physicochemical variation, residue mobility, and thermodynamic stability) indicates that this missense variant is not expected to disrupt SLC39A8 protein function with a negative predictive value of 80%. In summary, the available evidence is currently insufficient to determine the role of this variant in disease. Therefore, it has been classified as a Variant of Uncertain Significance.

Department of Clinical Genetics, Copenhagen University Hospital, Rigshospitalet
Classification: Uncertain significance for SLC39A8-CDG. Last evaluated: 2021-08-01. Review status: criteria provided, single submitter. Criteria: ACMG Guidelines, 2015. Collection method: clinical testing. Allele origin: inherited. Affected: yes.

Ambry Genetics
Classification: Uncertain significance for Inborn genetic diseases. Last evaluated: 2021-03-24. Review status: criteria provided, single submitter. Criteria: Ambry Variant Classification Scheme 2023. Collection method: clinical testing. Allele origin: germline.
Comment: The c.1166A>G (p.N389S) alteration is located in exon 7 (coding exon 7) of the SLC39A8 gene. This alteration results from a A to G substitution at nucleotide position 1166, causing the asparagine (N) at amino acid position 389 to be replaced by a serine (S). The p.N389S alteration is predicted to be tolerated by in silico analysis. Based on insufficient or conflicting evidence, the clinical significance of this alteration remains unclear.

Breakthrough Genomics
Classification: Uncertain significance. Review status: criteria provided, single submitter. Criteria: ACMG Guidelines, 2015. Collection method: not provided. Allele origin: germline. Inheritance: Autosomal recessive inheritance. Affected: yes.

PreventionGenetics, part of Exact Sciences
Classification: Uncertain significance for SLC39A8-related condition. Last evaluated: 2024-03-29. Review status: no assertion criteria provided. Collection method: clinical testing. Allele origin: germline. Not counted in ClinVar's aggregate classification.
Comment: The SLC39A8 c.1166A>G variant is predicted to result in the amino acid substitution p.Asn389Ser. To our knowledge, this variant has not been reported in the literature. This variant is reported in 0.055% of alleles in individuals of European (Non-Finnish) descent in gnomAD. At this time, the clinical significance of this variant is uncertain due to the absence of conclusive functional and genetic evidence.

Literature cited by the submitters: PubMed 38041506 (cited by Labcorp Genetics (formerly Invitae), Labcorp).